The following is an entry in ClinVar:

ClinVar aggregate classification (germline): Likely benign (0 of 4 stars; one submission).

Conditions:
LZTFL1-related disorder. Also called: LZTFL1-related condition.

Submission:

PreventionGenetics, part of Exact Sciences
Classification: Likely benign for LZTFL1-related condition. Last evaluated: 2023-04-30. Review status: no assertion criteria provided. Collection method: clinical testing. Allele origin: germline.
Comment: This variant is classified as likely benign based on ACMG/AMP sequence variant interpretation guidelines (Richards et al. 2015 PMID: 25741868, with internal and published modifications).

NM_001276379.2(LZTFL1):c.28-10C>A

Gene: LZTFL1 (leucine zipper transcription factor like 1; minus strand). Cytogenetic location: 3p21.31.
Variant type: single nucleotide variant.
Coding change: c.28-10C>A on transcript NM_001276379.2; 10 bases into the intron before coding-DNA position 28, C replaced by A.
Molecular consequence: intron variant.
Genome position (GRCh38, 1-based): chr3:45,855,084, G>T on the plus strand (C>A on the coding strand, the complement: LZTFL1 is on the minus strand). VCF-style: chr3-45855084-G-T. GRCh37 (hg19) VCF-style: chr3-45896576-G-T.
Other names: c.28-17033C>A (NM_001405925.1, NM_001405920.1); c.28-10C>A (NM_001405921.1); c.-137-10C>A (NM_001405927.1, NM_001276378.2, NM_001405926.1 and 1 more transcripts).
Identifiers: ClinVar variation 3356312 (VCV003356312.1).
Genomic context (GRCh38, chr3:45,855,084, plus strand): 5'-AGTCACCAAAGGGTGGGTAGGGTACAACTTGATGGATTTTCTCTGCCTTCCCTAGAAAAT[G>T]AGAGTTCGAGTTAAAAATTATAAGTTGTATCTTAAAAACATCAAAGGGATATGATGAACA-3'